The following is an entry in ClinVar:

NM_001127208.3(TET2):c.4142C>G (p.Ala1381Gly)

Genes: TET2 (tet methylcytosine dioxygenase 2; plus strand), TET2-AS1 (TET2 antisense RNA 1; minus strand). Cytogenetic location: 4q24.
Variant type: single nucleotide variant.
Coding change: c.4142C>G on transcript NM_001127208.3 (MANE Select); coding-DNA position 4142, C replaced by G.
Protein change: p.Ala1381Gly; replaces alanine 1381 with glycine.
Molecular consequence: missense variant.
Genome position (GRCh38, 1-based): chr4:105,269,707, C>G. VCF-style: chr4-105269707-C-G. GRCh37 (hg19) VCF-style: chr4-106190864-C-G.
Other names: short protein forms A1381G.
Identifiers: ClinVar variation 4752450 (VCV004752450.1).

ClinVar aggregate classification (germline): Uncertain significance (1 of 4 stars; one submission).

Submission:

Labcorp Genetics (formerly Invitae), Labcorp
Classification: Uncertain significance. Last evaluated: 2025-11-24. Review status: criteria provided, single submitter. Criteria: Invitae Variant Classification Sherloc (09022015). Collection method: clinical testing. Allele origin: germline.
Comment: This sequence change replaces alanine, which is neutral and non-polar, with glycine, which is neutral and non-polar, at codon 1381 of the TET2 protein (p.Ala1381Gly). This variant is not present in population databases (gnomAD no frequency). This variant has not been reported in the literature in individuals affected with TET2-related conditions. An algorithm developed to predict the effect of missense changes on protein structure and function (PolyPhen-2) suggests that this variant is likely to be disruptive. In summary, the available evidence is currently insufficient to determine the role of this variant in disease. Therefore, it has been classified as a Variant of Uncertain Significance.